The following is an entry in ClinVar:

ClinVar aggregate classification (germline): Pathogenic. Review status: criteria provided, multiple submitters, no conflicts (2 of 4 stars). 3 submissions from 3 submitters: Pathogenic (3). Last evaluated 2025-03-04.

Conditions:
Familial adenomatous polyposis 2. Also called: COLORECTAL ADENOMATOUS POLYPOSIS, AUTOSOMAL RECESSIVE; ADENOMAS, MULTIPLE COLORECTAL, AUTOSOMAL RECESSIVE; MUTYH-associated polyposis; MUTYH Polyposis; Adenomas, multiple colorectal; MUTYH-related attenuated familial adenomatous polyposis. Identifiers: Orphanet 220460, Orphanet 247798, MedGen C3272841, MONDO:0012041, OMIM 608456.
Hereditary cancer-predisposing syndrome. Also called: Hereditary Cancer Syndrome; Neoplastic Syndromes, Hereditary; Hereditary neoplastic syndrome; Tumor predisposition. Identifiers: Orphanet 140162, MedGen C0027672, MeSH D009386, MONDO:0015356.

Submissions (3):

Center for Genomic Medicine, Rigshospitalet, Copenhagen University Hospital
Classification: Pathogenic. Last evaluated: 2025-03-04. Review status: criteria provided, single submitter. Criteria: ACMG Guidelines, 2015. Collection method: clinical testing. Allele origin: germline.

Ambry Genetics
Classification: Pathogenic for Hereditary cancer-predisposing syndrome. Last evaluated: 2022-10-07. Review status: criteria provided, single submitter. Criteria: Ambry Variant Classification Scheme 2023. Collection method: clinical testing. Allele origin: germline.
Comment: The p.Y128* pathogenic mutation (also known as c.384T>A), located in coding exon 4 of the MUTYH gene, results from a T to A substitution at nucleotide position 384. This changes the amino acid from a tyrosine to a stop codon within coding exon 4. This variant is considered to be rare based on population cohorts in the Genome Aggregation Database (gnomAD). This alteration is expected to result in loss of function by premature protein truncation or nonsense-mediated mRNA decay. As such, this alteration is interpreted as a disease-causing mutation.

Labcorp Genetics (formerly Invitae), Labcorp
Classification: Pathogenic for Familial adenomatous polyposis 2. Last evaluated: 2020-12-19. Review status: criteria provided, single submitter. Criteria: Invitae Variant Classification Sherloc (09022015). Collection method: clinical testing. Allele origin: germline.
Comment: For these reasons, this variant has been classified as Pathogenic. This variant has been observed in individual(s) with colorectal cancer (PMID: 19245865). This variant is also known as Y114X in the literature. This variant is not present in population databases (ExAC no frequency). This sequence change creates a premature translational stop signal (p.Tyr128*) in the MUTYH gene. It is expected to result in an absent or disrupted protein product. Loss-of-function variants in MUTYH are known to be pathogenic (PMID: 18534194, 20663686).

Literature cited by the submitters: PubMed 19245865 (cited by Center for Genomic Medicine, Rigshospitalet, Copenhagen University Hospital and Labcorp Genetics (formerly Invitae), Labcorp); PubMed 18534194 (cited by Labcorp Genetics (formerly Invitae), Labcorp); PubMed 20663686 (cited by Labcorp Genetics (formerly Invitae), Labcorp).

NM_001048174.2(MUTYH):c.300T>A (p.Tyr100Ter)

Gene: MUTYH (mutY DNA glycosylase; minus strand). Cytogenetic location: 1p34.1.
Variant type: single nucleotide variant.
Coding change: c.300T>A on transcript NM_001048174.2 (MANE Select); coding-DNA position 300, T replaced by A.
Protein change: p.Tyr100Ter; replaces tyrosine 100 with a stop codon.
Molecular consequence: nonsense. On other transcripts: missense variant (2), non-coding transcript variant (2).
Genome position (GRCh38, 1-based): chr1:45,333,289, A>T on the plus strand (T>A on the coding strand, the complement: MUTYH is on the minus strand). VCF-style: chr1-45333289-A-T. GRCh37 (hg19) VCF-style: chr1-45798961-A-T.
Other names: c.300T>A, p.Tyr100Ter (NM_001048171.2, NM_001048173.2, NM_001293195.2); c.303T>A, p.Tyr101Ter (NM_001048172.2); c.384T>A, p.Tyr128Ter (NM_001128425.2); c.345T>A, p.Tyr115Ter (NM_001293190.2); c.333T>A, p.Tyr111Ter (NM_001293191.2); c.24T>A, p.Tyr8Ter (NM_001293192.2, NM_001293196.2); c.29T>A, p.Met10Lys (NM_001350650.2, NM_001350651.2); c.375T>A, p.Tyr125Ter (NM_012222.3); short protein forms Y101*, Y125*, M10K, Y100*, Y111*, Y115*, Y128*, Y8*.
Identifiers: ClinVar variation 1436665 (VCV001436665.11), dbSNP rs774798236, ClinGen allele CA340136238.